The following is an entry in ClinVar:

ClinVar aggregate classification (germline): Conflicting classifications of pathogenicity. Review status: criteria provided, conflicting classifications (1 of 4 stars). 6 submissions from 6 submitters: Uncertain significance (1); Likely benign (4). 1 of the submissions does not count toward it. Last evaluated 2026-07-01.

Conditions:
Anophthalmia-microphthalmia syndrome. Also called: Anophthalmia - microphthalmia; Anophthalmia/Microphthalmia. Identifiers: Orphanet 98555, MedGen C5680330, MONDO:0020147.
Colobomatous optic disc-macular atrophy-chorioretinopathy syndrome (ODRMD). Also called: OPTIC DISC ANOMALIES WITH RETINAL AND/OR MACULAR DYSTROPHY. Identifiers: Orphanet 435930, MedGen C4225424, MONDO:0008927, OMIM 212550.

Allele frequency attached by ClinVar (database versions not stated): ESP Exome Variant Server 0.00170; 1000 Genomes Project 0.00200; 1000 Genomes Project 30x 0.00203; TOPMed 0.00264; gnomAD exomes 0.00291 and 0.00312; gnomAD 0.00322 and 0.00324; ExAC 0.00339.
gnomAD v4.1: 4,697 of 1,612,752 alleles (0.29%); highest among the groups gnomAD compares: Middle Eastern, 1.5%; 21 homozygotes.

Submissions (6):

CeGaT Center for Human Genetics Tuebingen
Classification: Likely benign. Last evaluated: 2026-07-01. Review status: criteria provided, single submitter. Criteria: CeGaT Center For Human Genetics Tuebingen Variant Classification Criteria Version 2. Collection method: clinical testing. Allele origin: germline. Affected: yes. Observed: 2 variant alleles.
Comment: SIX6: BS2

Labcorp Genetics (formerly Invitae), Labcorp
Classification: Likely benign. Last evaluated: 2026-02-01. Review status: criteria provided, single submitter. Criteria: Invitae Variant Classification Sherloc (09022015). Collection method: clinical testing. Allele origin: germline.

GeneDx
Classification: Likely benign. Last evaluated: 2018-07-17. Review status: criteria provided, single submitter. Criteria: GeneDx Variant Classification Process June 2021. Collection method: clinical testing. Allele origin: germline. Affected: yes.
Comment: This variant is associated with the following publications: (PMID: 28717659, 28499933, 24875647)

Illumina Laboratory Services, Illumina
Classification: Uncertain significance for Anophthalmia-microphthalmia syndrome. Last evaluated: 2018-01-13. Review status: criteria provided, single submitter. Criteria: ICSL Variant Classification Criteria 13 December 2019. Collection method: clinical testing. Allele origin: germline.

Clinical Genetics DNA and cytogenetics Diagnostics Lab, Erasmus MC, Erasmus Medical Center
Classification: Likely benign for Colobomatous optic disc-macular atrophy-chorioretinopathy syndrome. Last evaluated: 2015-10-21. Review status: criteria provided, single submitter. Criteria: ACGS Guidelines, 2013. Collection method: clinical testing. Allele origin: germline. Affected: yes. Study: VKGL Data-share Consensus.

Clinical Genetics, Academic Medical Center
Classification: Benign. Review status: no assertion criteria provided. Collection method: clinical testing. Allele origin: germline. Affected: yes. Study: VKGL Data-share Consensus. Not counted in ClinVar's aggregate classification.

NM_007374.3(SIX6):c.614T>G (p.Leu205Arg)

Genes: C14orf39 (chromosome 14 open reading frame 39; minus strand), SIX6 (SIX homeobox 6; plus strand). Cytogenetic location: 14q23.1.
Variant type: single nucleotide variant.
Coding change: c.614T>G on transcript NM_007374.3 (MANE Select); coding-DNA position 614, T replaced by G.
Protein change: p.Leu205Arg; replaces leucine 205 with arginine.
Molecular consequence: missense variant.
Genome position (GRCh38, 1-based): chr14:60,511,125, T>G. VCF-style: chr14-60511125-T-G. GRCh37 (hg19) VCF-style: chr14-60977843-T-G.
Other names: short protein forms L205R.
Identifiers: ClinVar variation 522355 (VCV000522355.42), dbSNP rs45549246, ClinGen allele CA7212639.
Genomic context (GRCh38, chr14:60,511,125, plus strand): 5'-TTCCCTTTCTTCCCCGTAGACTCCAGCAGCAGGTCCTGTCACAGGGTTCCGGGCGGGCAC[T>G]ACGGGCGGAGGGCGACGGCACGCCAGAGGTGCTGGGCGTCGCCACCAGCCCGGCCGCCAG-3'
Protein context (NP_031400.2, residues 195-215): QVLSQGSGRA[Leu205Arg]RAEGDGTPEV